The following is an entry in ClinVar:

ClinVar aggregate classification (germline): Uncertain significance (1 of 4 stars; one submission).

Conditions:
Norman-Roberts syndrome (LIS2). Also called: Lissencephaly 2 (Norman-Roberts type). Identifiers: Orphanet 89844, MedGen C0796089, MONDO:0009760, OMIM 257320.
Familial temporal lobe epilepsy 7. Identifiers: Orphanet 101046, MedGen C4225327, MONDO:0014639, OMIM 616436.

gnomAD v4.1: 2 of 1,613,732 alleles (0.00012%); highest among the groups gnomAD compares: Non-Finnish European, 0.00017%; no homozygotes.

Submission:

Labcorp Genetics (formerly Invitae), Labcorp
Classification: Uncertain significance for Familial temporal lobe epilepsy 7; Norman-Roberts syndrome. Last evaluated: 2025-03-19. Review status: criteria provided, single submitter. Criteria: Invitae Variant Classification Sherloc (09022015). Collection method: clinical testing. Allele origin: germline.
Comment: This sequence change replaces histidine, which is basic and polar, with arginine, which is basic and polar, at codon 2745 of the RELN protein (p.His2745Arg). This variant is not present in population databases (gnomAD no frequency). This variant has not been reported in the literature in individuals affected with RELN-related conditions. Invitae Evidence Modeling of protein sequence and biophysical properties (such as structural, functional, and spatial information, amino acid conservation, physicochemical variation, residue mobility, and thermodynamic stability) indicates that this missense variant is not expected to disrupt RELN protein function with a negative predictive value of 80%. In summary, the available evidence is currently insufficient to determine the role of this variant in disease. Therefore, it has been classified as a Variant of Uncertain Significance.

NM_005045.4(RELN):c.8234A>G (p.His2745Arg)

Genes: SLC26A5-AS1 (SLC26A5 antisense RNA 1; plus strand), RELN (reelin; minus strand). Cytogenetic location: 7q22.1.
Variant type: single nucleotide variant.
Coding change: c.8234A>G on transcript NM_005045.4 (MANE Select); coding-DNA position 8234, A replaced by G.
Protein change: p.His2745Arg; replaces histidine 2745 with arginine.
Molecular consequence: missense variant.
Genome position (GRCh38, 1-based): chr7:103,510,891, T>C on the plus strand (A>G on the coding strand, the complement: RELN is on the minus strand). VCF-style: chr7-103510891-T-C. GRCh37 (hg19) VCF-style: chr7-103151338-T-C.
Other names: c.8234A>G, p.His2745Arg (NM_173054.3); short protein forms H2745R.
Identifiers: ClinVar variation 4792291 (VCV004792291.1).